The following is an entry in ClinVar:

NM_005251.3(FOXC2):c.1043T>C (p.Met348Thr)

Gene: FOXC2 (forkhead box C2; plus strand). Cytogenetic location: 16q24.1.
Variant type: single nucleotide variant.
Coding change: c.1043T>C on transcript NM_005251.3 (MANE Select); coding-DNA position 1043, T replaced by C.
Protein change: p.Met348Thr; replaces methionine 348 with threonine.
Molecular consequence: missense variant.
Genome position (GRCh38, 1-based): chr16:86,568,378, T>C. VCF-style: chr16-86568378-T-C. GRCh37 (hg19) VCF-style: chr16-86601984-T-C.
Other names: short protein forms M348T.
Identifiers: ClinVar variation 2954687 (VCV002954687.3), dbSNP rs1974231179, ClinGen allele CA397009329.
Genomic context (GRCh38, chr16:86,568,378, plus strand): 5'-GCTACCAGTGCAGCATGCGAGCGATGAGCCTGTACACCGGGGCCGAGCGGCCGGCGCACA[T>C]GTGCGTCCCGCCCGCCCTGGACGAGGCCCTCTCGGACCACCCGAGCGGCCCCACGTCGCC-3'
Protein context (NP_005242.1, residues 338-358): LYTGAERPAH[Met348Thr]CVPPALDEAL

ClinVar aggregate classification (germline): Uncertain significance (1 of 4 stars; one submission).

Allele frequency attached by ClinVar (database versions not stated): TOPMed below 0.00001; gnomAD 0.00001.
gnomAD v4.1: 2 of 1,373,080 alleles (0.00015%); highest among the groups gnomAD compares: African/African-American, 0.0015%; no homozygotes.

Submission:

Labcorp Genetics (formerly Invitae), Labcorp
Classification: Uncertain significance. Last evaluated: 2023-09-13. Review status: criteria provided, single submitter. Criteria: Invitae Variant Classification Sherloc (09022015). Collection method: clinical testing. Allele origin: germline.
Comment: In summary, the available evidence is currently insufficient to determine the role of this variant in disease. Therefore, it has been classified as a Variant of Uncertain Significance. An algorithm developed to predict the effect of missense changes on protein structure and function (PolyPhen-2) suggests that this variant is likely to be tolerated. This variant has not been reported in the literature in individuals affected with FOXC2-related conditions. This variant is not present in population databases (gnomAD no frequency). This sequence change replaces methionine, which is neutral and non-polar, with threonine, which is neutral and polar, at codon 348 of the FOXC2 protein (p.Met348Thr).